The following is an entry in ClinVar:

NM_017849.4(TMEM127):c.547G>T (p.Ala183Ser)

Gene: TMEM127 (transmembrane protein 127; minus strand). Cytogenetic location: 2q11.2.
Variant type: single nucleotide variant.
Coding change: c.547G>T on transcript NM_017849.4 (MANE Select); coding-DNA position 547, G replaced by T.
Protein change: p.Ala183Ser; replaces alanine 183 with serine.
Molecular consequence: missense variant.
Genome position (GRCh38, 1-based): chr2:96,253,978, C>A on the plus strand (G>T on the coding strand, the complement: TMEM127 is on the minus strand). VCF-style: chr2-96253978-C-A. GRCh37 (hg19) VCF-style: chr2-96919716-C-A.
Other names: c.547G>T, p.Ala183Ser (NM_001193304.3); c.295G>T, p.Ala99Ser (NM_001407282.1, NM_001407283.1); short protein forms A183S, A99S.
Identifiers: ClinVar variation 3227085 (VCV003227085.2), dbSNP rs2104284246, ClinGen allele CA347652397.

ClinVar aggregate classification (germline): Uncertain significance. Review status: criteria provided, multiple submitters, no conflicts (2 of 4 stars). 2 submissions from 2 submitters: Uncertain significance (2). Last evaluated 2025-05-21.

Conditions:
Hereditary cancer-predisposing syndrome. Also called: Neoplastic Syndromes, Hereditary; Tumor predisposition; Hereditary Cancer Syndrome; Hereditary neoplastic syndrome. Identifiers: Orphanet 140162, MedGen C0027672, MeSH D009386, MONDO:0015356.
Hereditary pheochromocytoma and paraganglioma. Also called: Hereditary paragangliomas and pheochromocytomas; Hereditary Paraganglioma-Pheochromocytoma Syndromes; Hereditary pheochromocytoma-paraganglioma. Identifiers: Orphanet 29072, MedGen C4274332, MONDO:0017366.

Submissions (2):

Labcorp Genetics (formerly Invitae), Labcorp
Classification: Uncertain significance for Hereditary pheochromocytoma and paraganglioma. Last evaluated: 2025-05-21. Review status: criteria provided, single submitter. Criteria: Invitae Variant Classification Sherloc (09022015). Collection method: clinical testing. Allele origin: germline.
Comment: This sequence change replaces alanine, which is neutral and non-polar, with serine, which is neutral and polar, at codon 183 of the TMEM127 protein (p.Ala183Ser). This variant is not present in population databases (gnomAD no frequency). This variant has not been reported in the literature in individuals affected with TMEM127-related conditions. ClinVar contains an entry for this variant (Variation ID: 3227085). An algorithm developed to predict the effect of missense changes on protein structure and function (PolyPhen-2) suggests that this variant is likely to be disruptive. In summary, the available evidence is currently insufficient to determine the role of this variant in disease. Therefore, it has been classified as a Variant of Uncertain Significance.

Ambry Genetics
Classification: Uncertain significance for Hereditary cancer-predisposing syndrome. Last evaluated: 2024-02-16. Review status: criteria provided, single submitter. Criteria: Ambry Variant Classification Scheme 2023. Collection method: clinical testing. Allele origin: germline.
Comment: The p.A183S variant (also known as c.547G>T), located in coding exon 3 of the TMEM127 gene, results from a G to T substitution at nucleotide position 547. The alanine at codon 183 is replaced by serine, an amino acid with similar properties. This amino acid position is conserved. In addition, this alteration is predicted to be deleterious by in silico analysis. Based on the available evidence, the clinical significance of this alteration remains unclear.